The following is an entry in ClinVar:

ClinVar aggregate classification (germline): Conflicting classifications of pathogenicity. Review status: criteria provided, conflicting classifications (1 of 4 stars). 10 submissions from 10 submitters: Uncertain significance (1); Benign (1); Likely benign (8). Last evaluated 2026-07-01.

Conditions:
FA2H-related disorder. Also called: FA2H-related condition.
Spastic paraplegia. Identifiers: MedGen C0037772, HP:0001258.
Hereditary spastic paraplegia. Also called: Familial spastic paraparesis. Identifiers: Orphanet 685, MedGen C0037773, MONDO:0019064. Disease mechanism: loss of function.
Hereditary spastic paraplegia 35. Also called: SPASTIC PARAPLEGIA 35, AUTOSOMAL RECESSIVE, WITH OR WITHOUT NEURODEGENERATION; Spastic paraplegia 35; LEUKODYSTROPHY, DYSMYELINATING, AND SPASTIC PARAPARESIS WITH OR WITHOUT DYSTONIA; Spastic paraplegia 35, autosomal recessive. Identifiers: Orphanet 171629, MedGen C3496228, MONDO:0012866, OMIM 612319.

Allele frequency attached by ClinVar (database versions not stated): 1000 Genomes Project 30x 0.00031; 1000 Genomes Project 0.00040; gnomAD 0.00075 and 0.00078; ESP Exome Variant Server 0.00077; TOPMed 0.00079; gnomAD exomes 0.00136; ExAC 0.00162.
gnomAD v4.1: 1,924 of 1,613,928 alleles (0.12%); highest among the groups gnomAD compares: Middle Eastern, 0.33%; 11 homozygotes.

Submissions (10):

CeGaT Center for Human Genetics Tuebingen
Classification: Likely benign. Last evaluated: 2026-07-01. Review status: criteria provided, single submitter. Criteria: CeGaT Center For Human Genetics Tuebingen Variant Classification Criteria Version 2. Collection method: clinical testing. Allele origin: germline. Affected: yes. Observed: 6 variant alleles.
Comment: FA2H: BP4, BS2

PreventionGenetics, part of Exact Sciences
Classification: Likely benign for FA2H-related condition. Last evaluated: 2026-06-02. Review status: criteria provided, single submitter. Criteria: ACMG Guidelines, 2015. Collection method: clinical testing. Allele origin: germline.
Comment: This variant is classified as likely benign based on ACMG/AMP sequence variant interpretation guidelines (Richards et al. 2015 PMID: 25741868, with internal and published modifications).

Labcorp Genetics (formerly Invitae), Labcorp
Classification: Benign for Spastic paraplegia. Last evaluated: 2026-01-28. Review status: criteria provided, single submitter. Criteria: Invitae Variant Classification Sherloc (09022015). Collection method: clinical testing. Allele origin: germline.

Athena Diagnostics
Classification: Likely benign. Last evaluated: 2025-04-09. Review status: criteria provided, single submitter. Criteria: Athena Diagnostics Criteria. Collection method: clinical testing. Allele origin: unknown.
Comment: The frequency of this variant in the general population is higher than would generally be expected for pathogenic variants in this gene. Computational tools predict this amino acid change may be benign.

Mayo Clinic Laboratories, Mayo Clinic
Classification: Likely benign. Last evaluated: 2025-02-27. Review status: criteria provided, single submitter. Criteria: ACMG Guidelines, 2015. Collection method: clinical testing. Allele origin: germline. Observed: 6 variant alleles.

Blueprint Genetics
Classification: Likely benign. Last evaluated: 2024-11-01. Review status: criteria provided, single submitter. Criteria: ACMG Guidelines, 2015. Collection method: clinical testing. Allele origin: germline.

GeneDx
Classification: Likely benign. Last evaluated: 2020-11-23. Review status: criteria provided, single submitter. Criteria: GeneDx Variant Classification Process June 2021. Collection method: clinical testing. Allele origin: germline. Affected: yes.
Comment: This variant is associated with the following publications: (PMID: 24299421, 23812641)

Genome Diagnostics Laboratory, The Hospital for Sick Children
Classification: Likely benign for Hereditary spastic paraplegia. Last evaluated: 2019-07-01. Review status: criteria provided, single submitter. Criteria: ACMG Guidelines, 2015. Collection method: clinical testing. Allele origin: germline. Affected: yes.

Center for Pediatric Genomic Medicine, Children's Mercy Hospital and Clinics
Classification: Likely benign. Last evaluated: 2017-05-02. Review status: criteria provided, single submitter. Criteria: ACMG Guidelines, 2015. Collection method: clinical testing. Allele origin: germline.

Illumina Laboratory Services, Illumina
Classification: Uncertain significance for Hereditary spastic paraplegia 35. Last evaluated: 2017-04-27. Review status: criteria provided, single submitter. Criteria: ICSL Variant Classification Criteria 13 December 2019. Collection method: clinical testing. Allele origin: germline.

Literature cited by the submitters: PubMed 29590070 (cited by Athena Diagnostics); PubMed 24299421 (cited by Athena Diagnostics and Mayo Clinic Laboratories, Mayo Clinic); PubMed 23812641 (cited by Athena Diagnostics).

NM_024306.5(FA2H):c.338G>A (p.Arg113Gln)

Gene: FA2H (fatty acid 2-hydroxylase; minus strand). Cytogenetic location: 16q23.1.
Variant type: single nucleotide variant.
Coding change: c.338G>A on transcript NM_024306.5 (MANE Select); coding-DNA position 338, G replaced by A.
Protein change: p.Arg113Gln; replaces arginine 113 with glutamine.
Molecular consequence: missense variant.
Genome position (GRCh38, 1-based): chr16:74,740,048, C>T on the plus strand (G>A on the coding strand, the complement: FA2H is on the minus strand). VCF-style: chr16-74740048-C-T. GRCh37 (hg19) VCF-style: chr16-74773946-C-T.
Other names: short protein forms R113Q.
Identifiers: ClinVar variation 241461 (VCV000241461.46), dbSNP rs147632811, ClinGen allele CA8170581.